The following is an entry in ClinVar:

ClinVar aggregate classification (germline): Likely benign. Review status: criteria provided, multiple submitters, no conflicts (2 of 4 stars). 4 submissions from 4 submitters: Likely benign (4). Last evaluated 2026-09-04.

Conditions:
CACNA1F-related disorder. Also called: CACNA1F-related condition.

Allele frequency attached by ClinVar (database versions not stated): TOPMed 0.00001; gnomAD 0.00002; gnomAD exomes 0.00011; 1000 Genomes Project 30x 0.00021; 1000 Genomes Project 0.00026; ExAC 0.00048.
gnomAD v4.1: 113 of 1,183,713 alleles (0.0095%); highest among the groups gnomAD compares: South Asian, 0.2%; no homozygotes.

Submissions (4):

PreventionGenetics, part of Exact Sciences
Classification: Likely benign for CACNA1F-related condition. Last evaluated: 2026-09-04. Review status: criteria provided, single submitter. Criteria: ACMG Guidelines, 2015. Collection method: clinical testing. Allele origin: germline.
Comment: This variant is classified as likely benign based on ACMG/AMP sequence variant interpretation guidelines (Richards et al. 2015 PMID: 25741868, with internal and published modifications).

Labcorp Genetics (formerly Invitae), Labcorp
Classification: Likely benign. Last evaluated: 2023-12-21. Review status: criteria provided, single submitter. Criteria: Invitae Variant Classification Sherloc (09022015). Collection method: clinical testing. Allele origin: germline.

Blueprint Genetics
Classification: Likely benign. Last evaluated: 2023-09-07. Review status: criteria provided, single submitter. Criteria: ACMG Guidelines, 2015. Collection method: clinical testing. Allele origin: germline.

CeGaT Center for Human Genetics Tuebingen
Classification: Likely benign. Last evaluated: 2022-12-01. Review status: criteria provided, single submitter. Criteria: CeGaT Center For Human Genetics Tuebingen Variant Classification Criteria Version 2. Collection method: clinical testing. Allele origin: germline. Affected: yes. Observed: 1 variant allele.
Comment: CACNA1F: PP3, BS2

NM_001256789.3(CACNA1F):c.1546A>G (p.Lys516Glu)

Gene: CACNA1F (calcium voltage-gated channel subunit alpha1 F; minus strand). Cytogenetic location: Xp11.23.
Variant type: single nucleotide variant.
Coding change: c.1546A>G on transcript NM_001256789.3 (MANE Select); coding-DNA position 1546, A replaced by G.
Protein change: p.Lys516Glu; replaces lysine 516 with glutamic acid.
Molecular consequence: missense variant.
Genome position (GRCh38, 1-based): chrX:49,226,014, T>C on the plus strand (A>G on the coding strand, the complement: CACNA1F is on the minus strand). VCF-style: chrX-49226014-T-C. GRCh37 (hg19) VCF-style: chrX-49082476-T-C.
Other names: c.1384A>G, p.Lys462Glu (NM_001256790.3); c.1579A>G, p.Lys527Glu (NM_005183.4); c.1579A>G (NM_005183.3); short protein forms K462E, K516E, K527E.
Identifiers: ClinVar variation 1900446 (VCV001900446.31), dbSNP rs782658565, ClinGen allele CA10410826.